The following is an entry in ClinVar:

NM_018451.5(CPAP):c.1273G>A (p.Ala425Thr)

Gene: CPAP (centrosome assembly and centriole elongation protein; minus strand). Cytogenetic location: 13q12.13.
Variant type: single nucleotide variant.
Coding change: c.1273G>A on transcript NM_018451.5 (MANE Select); coding-DNA position 1273, G replaced by A.
Protein change: p.Ala425Thr; replaces alanine 425 with threonine.
Molecular consequence: missense variant. On other transcripts: non-coding transcript variant (2).
Genome position (GRCh38, 1-based): chr13:24,906,765, C>T on the plus strand (G>A on the coding strand, the complement: CPAP is on the minus strand). VCF-style: chr13-24906765-C-T. GRCh37 (hg19) VCF-style: chr13-25480903-C-T.
Other names: short protein forms A425T.
Identifiers: ClinVar variation 373616 (VCV000373616.1), dbSNP rs758150747, ClinGen allele CA6919781.

ClinVar aggregate classification (germline): Uncertain significance (1 of 4 stars; one submission).

Allele frequency attached by ClinVar (database versions not stated): ExAC 0.00001; gnomAD exomes below 0.00001; TOPMed 0.00001.
gnomAD v4.1: 7 of 1,614,126 alleles (0.00043%); highest among the groups gnomAD compares: South Asian, 0.0022%; no homozygotes.

Submission:

GeneDx
Classification: Uncertain significance. Last evaluated: 2016-11-30. Review status: criteria provided, single submitter. Criteria: GeneDx Variant Classification (06012015). Collection method: clinical testing. Allele origin: germline. Affected: yes.
Comment: A variant of uncertain significance has been identified in the CENPJ gene. The A425T variant has not been published as a pathogenic variant, nor has it been reported as a benign variant to our knowledge. The A425T variant is not observed at a significant frequency in large population cohorts (Lek et al., 2016; 1000 Genomes Consortium et al., 2015; Exome Variant Server). The A425T variant is a non-conservative amino acid substitution, which is likely to impact secondary protein structure as these residues differ in polarity, charge, size and/or other properties. This substitution occurs at a position that is conserved in mammals. However, in silico analysis is inconsistent in its predictions as to whether or not the variant is damaging to the protein structure/function. Therefore, based on the currently available information, it is unclear whether this variant is a pathogenic variant or a rare benign variant.